The following is an entry in ClinVar:

ClinVar aggregate classification (germline): Uncertain significance (1 of 4 stars; one submission).

Submission:

Labcorp Genetics (formerly Invitae), Labcorp
Classification: Uncertain significance. Last evaluated: 2023-12-11. Review status: criteria provided, single submitter. Criteria: Invitae Variant Classification Sherloc (09022015). Collection method: clinical testing. Allele origin: germline.
Comment: This sequence change replaces phenylalanine, which is neutral and non-polar, with serine, which is neutral and polar, at codon 482 of the COQ8A protein (p.Phe482Ser). This variant is not present in population databases (gnomAD no frequency). This variant has not been reported in the literature in individuals affected with COQ8A-related conditions. ClinVar contains an entry for this variant (Variation ID: 2091039). Advanced modeling of protein sequence and biophysical properties (such as structural, functional, and spatial information, amino acid conservation, physicochemical variation, residue mobility, and thermodynamic stability) performed at Invitae indicates that this missense variant is expected to disrupt COQ8A protein function with a positive predictive value of 80%. In summary, the available evidence is currently insufficient to determine the role of this variant in disease. Therefore, it has been classified as a Variant of Uncertain Significance.

NM_020247.5(COQ8A):c.1445T>C (p.Phe482Ser)

Gene: COQ8A (coenzyme Q8A; plus strand). Cytogenetic location: 1q42.13.
Variant type: single nucleotide variant.
Coding change: c.1445T>C on transcript NM_020247.5 (MANE Select); coding-DNA position 1445, T replaced by C.
Protein change: p.Phe482Ser; replaces phenylalanine 482 with serine.
Molecular consequence: missense variant.
Genome position (GRCh38, 1-based): chr1:226,984,594, T>C. VCF-style: chr1-226984594-T-C. GRCh37 (hg19) VCF-style: chr1-227172295-T-C.
Other names: short protein forms F482S.
Identifiers: ClinVar variation 2091039 (VCV002091039.4), dbSNP rs573275917, ClinGen allele CA345055682.